The following is an entry in ClinVar:

ClinVar aggregate classification (germline): Uncertain significance. Review status: criteria provided, multiple submitters, no conflicts (2 of 4 stars). 3 submissions from 3 submitters: Uncertain significance (3). Last evaluated 2025-07-22.

Conditions:
Infantile liver failure syndrome 3. Identifiers: MedGen C5231437, MONDO:0032844, OMIM 618641.

gnomAD v4.1: 2 of 1,596,256 alleles (0.00013%); highest among the groups gnomAD compares: East Asian, 0.0023%; no homozygotes.

Submissions (3):

Ambry Genetics
Classification: Uncertain significance. Last evaluated: 2025-07-22. Review status: criteria provided, single submitter. Criteria: Ambry Variant Classification Scheme 2023. Collection method: clinical testing. Allele origin: germline.
Comment: The p.L447F variant (also known as c.1339C>T), located in coding exon 10 of the RINT1 gene, results from a C to T substitution at nucleotide position 1339. The leucine at codon 447 is replaced by phenylalanine, an amino acid with highly similar properties. This amino acid position is well conserved in available vertebrate species. In addition, this alteration is predicted to be tolerated by in silico analysis. Since supporting evidence is limited at this time, the clinical significance of this alteration remains unclear.

Fulgent Genetics
Classification: Uncertain significance for Infantile liver failure syndrome 3. Last evaluated: 2024-04-25. Review status: criteria provided, single submitter. Criteria: ACMG Guidelines, 2015. Collection method: clinical testing. Allele origin: germline.

Labcorp Genetics (formerly Invitae), Labcorp
Classification: Uncertain significance. Last evaluated: 2020-09-08. Review status: criteria provided, single submitter. Criteria: Invitae Variant Classification Sherloc (09022015). Collection method: clinical testing. Allele origin: germline.
Comment: This sequence change replaces leucine with phenylalanine at codon 447 of the RINT1 protein (p.Leu447Phe). The leucine residue is moderately conserved and there is a small physicochemical difference between leucine and phenylalanine. This variant is not present in population databases (ExAC no frequency). In summary, the available evidence is currently insufficient to determine the role of this variant in disease. Therefore, it has been classified as a Variant of Uncertain Significance. Algorithms developed to predict the effect of missense changes on protein structure and function are either unavailable or do not agree on the potential impact of this missense change (SIFT: "Tolerated"; PolyPhen-2: "Probably Damaging"; Align-GVGD: "Class C0"). This variant has not been reported in the literature in individuals with RINT1-related conditions.

NM_021930.6(RINT1):c.1339C>T (p.Leu447Phe)

Gene: RINT1 (RAD50 interactor 1; plus strand). Cytogenetic location: 7q22.3.
Variant type: single nucleotide variant.
Coding change: c.1339C>T on transcript NM_021930.6 (MANE Select); coding-DNA position 1339, C replaced by T.
Protein change: p.Leu447Phe; replaces leucine 447 with phenylalanine.
Molecular consequence: missense variant. On other transcripts: non-coding transcript variant (1).
Genome position (GRCh38, 1-based): chr7:105,551,575, C>T. VCF-style: chr7-105551575-C-T. GRCh37 (hg19) VCF-style: chr7-105192022-C-T.
Other names: c.1105C>T, p.Leu369Phe (NM_001346599.2); c.316C>T, p.Leu106Phe (NM_001346600.2, NM_001346603.2); c.415C>T, p.Leu139Phe (NM_001346601.2); short protein forms L106F, L139F, L369F, L447F.
Identifiers: ClinVar variation 1001996 (VCV001001996.13), dbSNP rs1562851056, ClinGen allele CA368809603.